The following is an entry in ClinVar:

NM_006648.4(WNK2):c.2522C>G (p.Pro841Arg)

Gene: WNK2 (WNK lysine deficient protein kinase 2; plus strand). Cytogenetic location: 9q22.31.
Variant type: single nucleotide variant.
Coding change: c.2522C>G on transcript NM_006648.4 (MANE Select); coding-DNA position 2522, C replaced by G.
Protein change: p.Pro841Arg; replaces proline 841 with arginine.
Molecular consequence: missense variant.
Genome position (GRCh38, 1-based): chr9:93,259,070, C>G. VCF-style: chr9-93259070-C-G. GRCh37 (hg19) VCF-style: chr9-96021352-C-G.
Other names: c.2522C>G, p.Pro841Arg (NM_001282394.3); short protein forms P841R.
Identifiers: ClinVar variation 4844902 (VCV004844902.1).

ClinVar aggregate classification (germline): Uncertain significance (1 of 4 stars; one submission).

Submission:

Ambry Genetics
Classification: Uncertain significance. Last evaluated: 2026-02-16. Review status: criteria provided, single submitter. Criteria: Ambry Variant Classification Scheme 2023. Collection method: clinical testing. Allele origin: germline.
Comment: The p.P841R variant (also known as c.2522C>G), located in coding exon 11 of the WNK2 gene, results from a C to G substitution at nucleotide position 2522. The proline at codon 841 is replaced by arginine, an amino acid with dissimilar properties. This amino acid position is conserved. In addition, the in silico prediction for this alteration is inconclusive. Based on the available evidence, the clinical significance of this variant remains unclear.